The following is an entry in ClinVar:

ClinVar aggregate classification (germline): Pathogenic (1 of 4 stars; one submission).

Conditions:
Cardiovascular phenotype. Identifiers: MedGen CN230736.

Submission:

Ambry Genetics
Classification: Pathogenic for Cardiovascular phenotype. Last evaluated: 2018-06-20. Review status: criteria provided, single submitter. Criteria: Ambry Variant Classification Scheme 2023. Collection method: clinical testing. Allele origin: germline.
Comment: The c.205_271del67 pathogenic mutation, located in the PAS domain of coding exon 2 of the KCNH2 gene, results from a deletion of 67 nucleotides at nucleotide positions 205 to 271, causing a translational frameshift with a predicted alternate stop codon (p.L69Sfs*25). This alteration is expected to result in loss of function by premature protein truncation or nonsense-mediated mRNA decay. As such, this alteration is interpreted as a disease-causing mutation.

NM_000238.4(KCNH2):c.205_271del (p.Leu69fs)

Gene: KCNH2 (potassium voltage-gated channel subfamily H member 2; minus strand). Cytogenetic location: 7q36.1.
Variant type: Deletion.
Coding change: c.205_271del on transcript NM_000238.4 (MANE Select); coding-DNA positions 205 to 271, 67 bases deleted.
Protein change: p.Leu69fs; shifts the reading frame from leucine 69.
Molecular consequence: frameshift variant.
Genome position (GRCh38, 1-based): chr7:150,974,747-150,974,813, 67 bases deleted. GRCh37 (hg19): chr7:150,671,835-150,671,901.
Other names: c.28_94del67, p.Leu10Serfs (NM_001406755.1); c.205_271del67, p.Leu69Serfs (NM_172056.3); short protein forms L69fs.
Identifiers: ClinVar variation 1785054 (VCV001785054.2), dbSNP rs2486155350, ClinGen allele CA2580077678.